The following is an entry in ClinVar:

ClinVar aggregate classification (germline): Likely benign. Review status: criteria provided, multiple submitters, no conflicts (2 of 4 stars). 2 submissions from 2 submitters: Likely benign (2). Last evaluated 2026-01-05.

Conditions:
Combined oxidative phosphorylation defect type 7. Identifiers: Orphanet 254930, MedGen C3150801, MONDO:0013306, OMIM 613559.
Spastic paraplegia. Identifiers: MedGen C0037772, HP:0001258.

Allele frequency attached by ClinVar (database versions not stated): gnomAD exomes 0.00011 and 0.00021; ExAC 0.00016; gnomAD 0.00019 and 0.00021; TOPMed 0.00020.

Submissions (2):

Labcorp Genetics (formerly Invitae), Labcorp
Classification: Likely benign for Combined oxidative phosphorylation defect type 7; Spastic paraplegia. Last evaluated: 2026-01-05. Review status: criteria provided, single submitter. Criteria: Invitae Variant Classification Sherloc (09022015). Collection method: clinical testing. Allele origin: germline.

GeneDx
Classification: Likely benign. Last evaluated: 2017-04-07. Review status: criteria provided, single submitter. Criteria: GeneDx Variant Classification (06012015). Collection method: clinical testing. Allele origin: germline. Affected: yes.
Comment: This variant is considered likely benign or benign based on one or more of the following criteria: it is a conservative change, it occurs at a poorly conserved position in the protein, it is predicted to be benign by multiple in silico algorithms, and/or has population frequency not consistent with disease.

NM_152269.5(MTRFR):c.283-19_283-16dup

Gene: MTRFR (mitochondrial translation release factor in rescue; plus strand). Cytogenetic location: 12q24.31.
Variant type: Duplication.
Coding change: c.283-19_283-16dup on transcript NM_152269.5 (MANE Select); 19 bases into the intron before coding-DNA position 283 through 16 bases into the intron before coding-DNA position 283, 4 bases duplicated (AAAA; older notation c.283-19_283-16dupAAAA).
Molecular consequence: intron variant.
Genome position (GRCh38, 1-based): chr12:123,256,794-123,256,797, AAAA duplicated. VCF-style (leftmost placement, unchanged base first): chr12-123256793-T-TAAAA. GRCh37 (hg19) VCF-style: chr12-123741340-T-TAAAA.
Other names: c.283-19_283-16dup (NM_001194995.1, NM_001143905.2).
Identifiers: ClinVar variation 421457 (VCV000421457.8), dbSNP rs758700066, ClinGen allele CA6856573.
Genomic context (GRCh38, chr12:123,256,793, plus strand): 5'-GTTGAATTTAATGACTTCTGAGGTCCTGTCCATTTTTAACATCCTGTGGTTTTCACATTA[T>TAAAA]AAAATATTATCTCTTACAGTGCCATCAGACAAGATCAGTTGATCAGAACAGAAAGCTAGC-3'